The following is an entry in ClinVar:

NM_000283.4(PDE6B):c.993-1G>C

Gene: PDE6B (phosphodiesterase 6B; plus strand). Cytogenetic location: 4p16.3.
Variant type: single nucleotide variant.
Coding change: c.993-1G>C on transcript NM_000283.4 (MANE Select); the canonical splice acceptor site of the intron before coding-DNA position 993, G replaced by C.
Molecular consequence: splice acceptor variant. On other transcripts: intron variant (1).
Genome position (GRCh38, 1-based): chr4:655,939, G>C. VCF-style: chr4-655939-G-C. GRCh37 (hg19) VCF-style: chr4-649728-G-C.
Other names: c.993-1G>C (NM_001145291.2); c.156-1G>C (NM_001379246.1, NM_001379247.1, NM_001145292.2 and 1 more transcripts); c.-48-935G>C (NM_001350155.3).
Identifiers: ClinVar variation 143068 (VCV000143068.3), dbSNP rs527236090, ClinGen allele CA270012.

ClinVar aggregate classification (germline): Likely pathogenic. Review status: criteria provided, single submitter (1 of 4 stars). 2 submissions from 2 submitters: Likely pathogenic (1). 1 of the submissions does not count toward it. Last evaluated 2023-10-01.

Conditions:
Retinitis pigmentosa (RP). Identifiers: Orphanet 791, MedGen C0035334, MeSH D012174, MONDO:0019200, OMIM 268000. Inheritance: Autosomal dominant, autosomal recessive and X linked inheritance.
Retinal dystrophy. Also called: Inherited retinal dystrophy. Identifiers: Orphanet 71862, MedGen C0854723, MeSH D058499, MONDO:0019118, HP:0000556.

Allele frequency attached by ClinVar (database versions not stated): gnomAD exomes below 0.00001.
gnomAD v4.1: 1 of 1,605,186 alleles (0.000062%); highest among the groups gnomAD compares: East Asian, 0.0022%; no homozygotes.

Submissions (2):

Dept Of Ophthalmology, Nagoya University
Classification: Likely pathogenic for Retinal dystrophy. Last evaluated: 2023-10-01. Review status: criteria provided, single submitter. Criteria: Submitter's publication. Collection method: research. Allele origin: germline. Affected: yes.

Department of Ophthalmology and Visual Sciences Kyoto University
Classification: Likely pathogenic for Retinitis pigmentosa. Review status: no assertion criteria provided. Collection method: not provided. Allele origin: unknown. Not counted in ClinVar's aggregate classification.
ClinVar note: Converted during submission from probable-pathogenic to Likely pathogenic.